The following is an entry in ClinVar:

ClinVar aggregate classification (germline): Uncertain significance. Review status: criteria provided, multiple submitters, no conflicts (2 of 4 stars). 2 submissions from 2 submitters: Uncertain significance (2). Last evaluated 2022-06-11.

Conditions:
Sucrase-isomaltase deficiency (CSID). Also called: Deficiency of isomaltase; Congenital sucrose isomaltose malabsorption; Sucrose isomaltose enzyme deficiency; SI DEFICIENCY. Identifiers: Orphanet 35122, MedGen C1283620, MONDO:0009114, OMIM 222900.

Allele frequency attached by ClinVar (database versions not stated): ExAC 0.00002; gnomAD 0.00001 and 0.00002; gnomAD exomes 0.00002; TOPMed 0.00002.
gnomAD v4.1: 30 of 1,609,666 alleles (0.0019%); highest among the groups gnomAD compares: Non-Finnish European, 0.0025%; no homozygotes.

Submissions (2):

Labcorp Genetics (formerly Invitae), Labcorp
Classification: Uncertain significance. Last evaluated: 2022-06-11. Review status: criteria provided, single submitter. Criteria: Invitae Variant Classification Sherloc (09022015). Collection method: clinical testing. Allele origin: germline.
Comment: This sequence change replaces glutamic acid, which is acidic and polar, with glycine, which is neutral and non-polar, at codon 894 of the SI protein (p.Glu894Gly). This variant is present in population databases (rs756233137, gnomAD 0.005%). This variant has not been reported in the literature in individuals affected with SI-related conditions. ClinVar contains an entry for this variant (Variation ID: 902313). Advanced modeling of protein sequence and biophysical properties (such as structural, functional, and spatial information, amino acid conservation, physicochemical variation, residue mobility, and thermodynamic stability) performed at Invitae indicates that this missense variant is not expected to disrupt SI protein function. In summary, the available evidence is currently insufficient to determine the role of this variant in disease. Therefore, it has been classified as a Variant of Uncertain Significance.

Illumina Laboratory Services, Illumina
Classification: Uncertain significance for Sucrase-isomaltase deficiency. Last evaluated: 2018-01-13. Review status: criteria provided, single submitter. Criteria: ICSL Variant Classification Criteria 13 December 2019. Collection method: clinical testing. Allele origin: germline.

NM_001041.4(SI):c.2681A>G (p.Glu894Gly)

Gene: SI (sucrase-isomaltase; minus strand). Cytogenetic location: 3q26.1.
Variant type: single nucleotide variant.
Coding change: c.2681A>G on transcript NM_001041.4 (MANE Select); coding-DNA position 2681, A replaced by G.
Protein change: p.Glu894Gly; replaces glutamic acid 894 with glycine.
Molecular consequence: missense variant.
Genome position (GRCh38, 1-based): chr3:165,032,577, T>C on the plus strand (A>G on the coding strand, the complement: SI is on the minus strand). VCF-style: chr3-165032577-T-C. GRCh37 (hg19) VCF-style: chr3-164750365-T-C.
Other names: short protein forms E894G.
Identifiers: ClinVar variation 902313 (VCV000902313.5), dbSNP rs756233137, ClinGen allele CA2690573.